The following is an entry in ClinVar:

NM_016729.3(FOLR1):c.45G>T (p.Trp15Cys)

Genes: FOLR1 (folate receptor alpha; plus strand), FOLR1-AS1 (FOLR1 antisense RNA 1; minus strand). Cytogenetic location: 11q13.4.
Variant type: single nucleotide variant.
Coding change: c.45G>T on transcript NM_016729.3 (MANE Select); coding-DNA position 45, G replaced by T.
Protein change: p.Trp15Cys; replaces tryptophan 15 with cysteine.
Molecular consequence: missense variant.
Genome position (GRCh38, 1-based): chr11:72,192,218, G>T. VCF-style: chr11-72192218-G-T. GRCh37 (hg19) VCF-style: chr11-71903262-G-T.
Other names: c.45G>T, p.Trp15Cys (NM_000802.3, NM_016724.3, NM_016725.3); short protein forms W15C.
Identifiers: ClinVar variation 1037610 (VCV001037610.12), dbSNP rs200261943, ClinGen allele CA6169103.

ClinVar aggregate classification (germline): Uncertain significance. Review status: criteria provided, multiple submitters, no conflicts (2 of 4 stars). 4 submissions from 4 submitters: Uncertain significance (4). Last evaluated 2023-01-11.

Conditions:
Inborn genetic diseases. Identifiers: MedGen C0950123, MeSH D030342.
Cerebral folate transport deficiency. Also called: FOLR1-Related Cerebral Folate Transport Deficiency; NEURODEGENERATION DUE TO CEREBRAL FOLATE TRANSPORT DEFICIENCY; Cerebral folate deficiency syndrome; Neurodegenerative syndrome due to cerebral folate transport deficiency; FOLATE RECEPTOR DEFICIENCY. Identifiers: Orphanet 217382, MedGen C2751584, MONDO:0013110, OMIM 613068. Disease mechanism: loss of function.

Allele frequency attached by ClinVar (database versions not stated): gnomAD 0.00001; gnomAD exomes 0.00001 and 0.00002; TOPMed 0.00001; ExAC 0.00002; 1000 Genomes Project 30x 0.00016; 1000 Genomes Project 0.00020.
gnomAD v4.1: 25 of 1,614,150 alleles (0.0015%); highest among the groups gnomAD compares: Non-Finnish European, 0.002%; no homozygotes.

Submissions (4):

GeneDx
Classification: Uncertain significance. Last evaluated: 2023-01-11. Review status: criteria provided, single submitter. Criteria: GeneDx Variant Classification Process June 2021. Collection method: clinical testing. Allele origin: germline. Affected: yes.
Comment: Not observed at significant frequency in large population cohorts (gnomAD); In silico analysis supports that this missense variant has a deleterious effect on protein structure/function; Has not been previously published as pathogenic or benign to our knowledge

Labcorp Genetics (formerly Invitae), Labcorp
Classification: Uncertain significance for Cerebral folate transport deficiency. Last evaluated: 2022-04-01. Review status: criteria provided, single submitter. Criteria: Invitae Variant Classification Sherloc (09022015). Collection method: clinical testing. Allele origin: germline.
Comment: This sequence change replaces tryptophan, which is neutral and slightly polar, with cysteine, which is neutral and slightly polar, at codon 15 of the FOLR1 protein (p.Trp15Cys). This variant is present in population databases (rs200261943, gnomAD 0.003%). This variant has not been reported in the literature in individuals affected with FOLR1-related conditions. ClinVar contains an entry for this variant (Variation ID: 1037610). Algorithms developed to predict the effect of missense changes on protein structure and function output the following: SIFT: "Tolerated"; PolyPhen-2: "Benign"; Align-GVGD: "Class C0". The cysteine amino acid residue is found in multiple mammalian species, which suggests that this missense change does not adversely affect protein function. In summary, the available evidence is currently insufficient to determine the role of this variant in disease. Therefore, it has been classified as a Variant of Uncertain Significance.

Ambry Genetics
Classification: Uncertain significance for Inborn genetic diseases. Last evaluated: 2021-07-13. Review status: criteria provided, single submitter. Criteria: Ambry Variant Classification Scheme 2023. Collection method: clinical testing. Allele origin: germline.

Genetic Services Laboratory, University of Chicago
Classification: Uncertain significance. Last evaluated: 2019-08-30. Review status: criteria provided, single submitter. Criteria: ACMG Guidelines, 2015. Collection method: clinical testing. Allele origin: germline. Affected: no.